The following is an entry in ClinVar:

ClinVar aggregate classification (germline): Pathogenic. Review status: reviewed by expert panel (3 of 4 stars). 3 submissions from 3 submitters: Pathogenic (1). 2 of the submissions do not count toward it. Last evaluated 2023-08-25.

Conditions:
CDH1-related diffuse gastric and lobular breast cancer syndrome. Also called: CDH1-related diffuse gastric and lobular breast cancer. Identifiers: MedGen CN311521, MONDO:0100488.
Hereditary diffuse gastric adenocarcinoma (HDGC). Also called: DIFFUSE GASTRIC AND LOBULAR BREAST CANCER SYNDROME. Identifiers: Orphanet 26106, MedGen C1708349, MONDO:0007648, OMIM 137215.

Submissions (3):

Clingen Gastric Cancer Variant Curation Expert Panel
Classification: Pathogenic for CDH1-related diffuse gastric and lobular breast cancer syndrome. Last evaluated: 2023-08-25. Review status: reviewed by expert panel. Criteria: ClinGen CDH1 ACMG Specifications V3.1. Collection method: curation. Allele origin: germline. Inheritance: Autosomal dominant inheritance.
Comment: The c.360dupG (p.His121Alafs*47) variant is predicted to result in a premature stop codon that leads to a truncated or absent protein (PVS1, PM5_Supporting). The variant is absent in the gnomAD cohort (PM2_Supporting). This variant has been reported in at least one family meeting HDGC clinical criteria (PS4_Supporting, SCV000288479.2). In summary, this variant meets criteria to be classified as pathogenic based on the ACMG/AMP criteria applied as specified by the CDH1 Variant Curation Expert Panel (Variant Interpretation Guidelines Version 3.1): PVS1, PM2_Supporting, PS4_Supporting, PM5_Supporting.

Myriad Genetics, Inc.
Classification: Pathogenic for Hereditary diffuse gastric adenocarcinoma. Last evaluated: 2023-06-08. Review status: criteria provided, single submitter. Criteria: Myriad Autosomal Dominant, Autosomal Recessive and X-Linked Classification Criteria (2023). Collection method: clinical testing. Allele origin: unknown. Not counted in ClinVar's aggregate classification.
Comment: This variant is considered pathogenic. This variant creates a frameshift predicted to result in premature protein truncation.

Labcorp Genetics (formerly Invitae), Labcorp
Classification: Pathogenic for Hereditary diffuse gastric adenocarcinoma. Last evaluated: 2020-01-15. Review status: criteria provided, single submitter. Criteria: Invitae Variant Classification Sherloc (09022015). Collection method: clinical testing. Allele origin: germline. Not counted in ClinVar's aggregate classification.
Comment: This variant is not present in population databases (ExAC no frequency). For these reasons, this variant has been classified as Pathogenic. Loss-of-function variants in CDH1 are known to be pathogenic (PMID: 15235021, 20373070). This variant has not been reported in the literature in individuals with CDH1-related conditions. ClinVar contains an entry for this variant (Variation ID: 239903). This sequence change creates a premature translational stop signal (p.His121Alafs*47) in the CDH1 gene. It is expected to result in an absent or disrupted protein product.

Literature cited by the submitters: PubMed 15235021 (cited by Labcorp Genetics (formerly Invitae), Labcorp); PubMed 20373070 (cited by Labcorp Genetics (formerly Invitae), Labcorp).

NM_004360.5(CDH1):c.360dup (p.His121fs)

Gene: CDH1 (cadherin 1; plus strand). Cytogenetic location: 16q22.1.
Variant type: Duplication.
Coding change: c.360dup on transcript NM_004360.5 (MANE Select); coding-DNA position 360, one base duplicated (G; older notation c.360dupG).
Protein change: p.His121fs; shifts the reading frame from histidine 121.
Molecular consequence: frameshift variant. On other transcripts: 5 prime UTR variant (2).
Genome position (GRCh38, 1-based): chr16:68,801,866, G duplicated; the last of 4 consecutive G bases (chr16:68,801,863-68,801,866); duplicating any one gives the same sequence. VCF-style (leftmost placement, unchanged base first): chr16-68801862-T-TG. GRCh37 (hg19) VCF-style: chr16-68835765-T-TG.
Other names: NM_004360.5(CDH1):c.360dup; p.His121fs; c.360dup (LRG_301t1); c.360dup, p.His121fs (NM_001317184.2); c.-1256dup (NM_001317185.2); c.-1460dup (NM_001317186.2); short protein forms H121fs.
Identifiers: ClinVar variation 239903 (VCV000239903.12), dbSNP rs878854690, ClinGen allele CA10583408.